The following is an entry in ClinVar:

ClinVar aggregate classification (germline): Uncertain significance (1 of 4 stars; one submission).

Conditions:
Severe early-onset pulmonary alveolar proteinosis due to MARS deficiency. Also called: PULMONARY ALVEOLAR PROTEINOSIS, REUNION ISLAND; Interstitial lung and liver disease. Identifiers: Orphanet 440427, MedGen C4225400, MONDO:0014206, OMIM 615486.
Charcot-Marie-Tooth disease axonal type 2U. Also called: CHARCOT-MARIE-TOOTH NEUROPATHY, TYPE 2U; CHARCOT-MARIE-TOOTH DISEASE, AXONAL, AUTOSOMAL DOMINANT, TYPE 2U. Identifiers: Orphanet 397735, MedGen C4084821, MONDO:0014566, OMIM 616280.

Submission:

Labcorp Genetics (formerly Invitae), Labcorp
Classification: Uncertain significance for Charcot-Marie-Tooth disease axonal type 2U; Severe early-onset pulmonary alveolar proteinosis due to MARS deficiency. Last evaluated: 2024-09-29. Review status: criteria provided, single submitter. Criteria: Invitae Variant Classification Sherloc (09022015). Collection method: clinical testing. Allele origin: germline.
Comment: This sequence change creates a premature translational stop signal (p.Met760Alafs*4) in the MARS gene. It is expected to result in an absent or disrupted protein product. However, the current clinical and genetic evidence is not sufficient to establish whether loss-of-function variants in MARS cause disease. This variant is not present in population databases (gnomAD no frequency). This variant has not been reported in the literature in individuals affected with MARS-related conditions. In summary, the available evidence is currently insufficient to determine the role of this variant in disease. Therefore, it has been classified as a Variant of Uncertain Significance.

NM_004990.4(MARS1):c.2277_2278del (p.Met760fs)

Gene: MARS1 (methionyl-tRNA synthetase 1; plus strand). Cytogenetic location: 12q13.3.
Variant type: Deletion.
Coding change: c.2277_2278del on transcript NM_004990.4 (MANE Select); coding-DNA positions 2277 to 2278, 2 bases deleted (CA; older notation c.2277_2278delCA).
Protein change: p.Met760fs; shifts the reading frame from methionine 760.
Molecular consequence: frameshift variant.
Genome position (GRCh38, 1-based): chr12:57,515,222-57,515,223, CA deleted; deleting any 2 consecutive bases within chr12:57,515,221-57,515,223 gives the same sequence; the c. name uses the placement nearest the transcript's 3' end. VCF-style (leftmost placement, unchanged base first): chr12-57515220-TAC-T. GRCh37 (hg19) VCF-style: chr12-57909003-TAC-T.
Other names: short protein forms M760fs.
Identifiers: ClinVar variation 3759295 (VCV003759295.2).
Genomic context (GRCh38, chr12:57,515,220, plus strand): 5'-GGAACAGTGACTGGCTTGGCAGTGAATATAGCTGCCTTGCTCTCTGTCATGCTTCAGCCT[TAC>T]ATGCCCACGGTTAGTGCCACAATCCAGGCCCAGCTGCAGCTCCCACCTCCAGCCTGCAGT-3'